The following is an entry in ClinVar:

NM_001017995.3(SH3PXD2B):c.851C>T (p.Pro284Leu)

Gene: SH3PXD2B (SH3 and PX domains 2B; minus strand). Cytogenetic location: 5q35.1.
Variant type: single nucleotide variant.
Coding change: c.851C>T on transcript NM_001017995.3 (MANE Select); coding-DNA position 851, C replaced by T.
Protein change: p.Pro284Leu; replaces proline 284 with leucine.
Molecular consequence: missense variant.
Genome position (GRCh38, 1-based): chr5:172,350,524, G>A on the plus strand (C>T on the coding strand, the complement: SH3PXD2B is on the minus strand). VCF-style: chr5-172350524-G-A. GRCh37 (hg19) VCF-style: chr5-171777528-G-A.
Other names: c.851C>T, p.Pro284Leu (NM_001308175.2); short protein forms P284L.
Identifiers: ClinVar variation 4986618 (VCV004986618.1).

ClinVar aggregate classification (germline): Uncertain significance (1 of 4 stars; one submission).

Conditions:
SH3PXD2B-related disorder. Also called: SH3PXD2B-related condition.

gnomAD v4.1: 2 of 1,614,042 alleles (0.00012%); highest among the groups gnomAD compares: Non-Finnish European, 0.000085%; no homozygotes.

Submission:

PreventionGenetics, part of Exact Sciences
Classification: Uncertain significance for SH3PXD2B-related condition. Last evaluated: 2026-02-26. Review status: criteria provided, single submitter. Criteria: ACMG Guidelines, 2015. Collection method: clinical testing. Allele origin: germline.
Comment: The SH3PXD2B c.851C>T variant is predicted to result in the amino acid substitution p.Pro284Leu. To our knowledge, this variant has not been reported in the literature. This variant is reported in 0.0018% of alleles in individuals of European (Non-Finnish) descent in gnomAD. At this time, the clinical significance of this variant is uncertain due to the absence of conclusive functional and genetic evidence.